The following is an entry in ClinVar:

ClinVar aggregate classification (germline): Uncertain significance (1 of 4 stars; one submission).

gnomAD v4.1: 1 of 1,613,766 alleles (0.000062%); highest among the groups gnomAD compares: Non-Finnish European, 0.000085%; no homozygotes.

Submission:

GeneDx
Classification: Uncertain significance. Last evaluated: 2025-04-18. Review status: criteria provided, single submitter. Criteria: GeneDx Variant Classification Process June 2021. Collection method: clinical testing. Allele origin: germline. Affected: yes.
Comment: Not observed at significant frequency in large population cohorts (gnomAD); In silico analysis indicates that this missense variant does not alter protein structure/function; Has not been previously published as pathogenic or benign to our knowledge

NM_001080476.3(GRXCR1):c.250G>A (p.Ala84Thr)

Gene: GRXCR1 (glutaredoxin and cysteine rich domain containing 1; plus strand). Cytogenetic location: 4p13.
Variant type: single nucleotide variant.
Coding change: c.250G>A on transcript NM_001080476.3 (MANE Select); coding-DNA position 250, G replaced by A.
Protein change: p.Ala84Thr; replaces alanine 84 with threonine.
Molecular consequence: missense variant.
Genome position (GRCh38, 1-based): chr4:42,893,516, G>A. VCF-style: chr4-42893516-G-A. GRCh37 (hg19) VCF-style: chr4-42895533-G-A.
Other names: short protein forms A84T.
Identifiers: ClinVar variation 4282050 (VCV004282050.1).